The following is an entry in ClinVar:

NM_006245.4(PPP2R5D):c.1003T>A (p.Ser335Thr)

Gene: PPP2R5D (protein phosphatase 2 regulatory subunit B'delta; plus strand). Cytogenetic location: 6p21.1.
Variant type: single nucleotide variant.
Coding change: c.1003T>A on transcript NM_006245.4 (MANE Select); coding-DNA position 1003, T replaced by A.
Protein change: p.Ser335Thr; replaces serine 335 with threonine.
Molecular consequence: missense variant.
Genome position (GRCh38, 1-based): chr6:43,008,452, T>A. VCF-style: chr6-43008452-T-A. GRCh37 (hg19) VCF-style: chr6-42976190-T-A.
Other names: c.685T>A, p.Ser229Thr (NM_180977.3); c.550T>A, p.Ser184Thr (NM_001270476.2); c.907T>A, p.Ser303Thr (NM_180976.3); short protein forms S184T, S229T, S303T, S335T.
Identifiers: ClinVar variation 4759475 (VCV004759475.1).

ClinVar aggregate classification (germline): Uncertain significance (1 of 4 stars; one submission).

Conditions:
Houge-Janssens syndrome 1. Also called: Hogue-Janssens syndrome 1; PPP2R5D-Related Neurodevelopmental Disorder; INTELLECTUAL DEVELOPMENTAL DISORDER, AUTOSOMAL DOMINANT 35; Intellectual disability-macrocephaly-hypotonia-behavioral abnormalities syndrome. Identifiers: Orphanet 457279, MedGen C5779996, MONDO:0014602, OMIM 616355.

Submission:

Illumina Laboratory Services, Illumina
Classification: Uncertain significance for Houge-Janssens syndrome 1. Last evaluated: 2024-02-22. Review status: criteria provided, single submitter. Criteria: ISL SNV Classification Criteria 03 February 2026. Collection method: clinical testing. Allele origin: unknown.
Comment: The PPP2R5D c.1003T>A p.(Ser335Thr) missense variant has not, to our knowledge, been reported in the peer-reviewed literature. This variant is not observed in version 2.1.1 or version 4.0.0 of the Genome Aggregation Database. Based on the available evidence, the c.1003T>A p.(Ser335Thr) variant is classified as a variant of uncertain significance for PPP2R5D-related neurodevelopmental disorder.